The following is an entry in ClinVar:

ClinVar aggregate classification (germline): Pathogenic (1 of 4 stars; one submission).

Conditions:
Fucosidosis. Also called: ALPHA-L-FUCOSIDASE DEFICIENCY. Identifiers: Orphanet 349, MedGen C0016788, MONDO:0009254, OMIM 230000.

Allele frequency attached by ClinVar (database versions not stated): gnomAD exomes below 0.00001; ExAC 0.00001.
gnomAD v4.1: 1 of 1,612,940 alleles (0.000062%); highest among the groups gnomAD compares: Admixed American, 0.0017%; no homozygotes.

Submission:

Labcorp Genetics (formerly Invitae), Labcorp
Classification: Pathogenic for Fucosidosis. Last evaluated: 2023-11-10. Review status: criteria provided, single submitter. Criteria: Invitae Variant Classification Sherloc (09022015). Collection method: clinical testing. Allele origin: germline.
Comment: This sequence change creates a premature translational stop signal (p.Leu186*) in the FUCA1 gene. It is expected to result in an absent or disrupted protein product. Loss-of-function variants in FUCA1 are known to be pathogenic (PMID: 10094192). This variant is present in population databases (rs776324076, gnomAD 0.003%). This variant has not been reported in the literature in individuals affected with FUCA1-related conditions. For these reasons, this variant has been classified as Pathogenic.

Literature cited by the submitters: PubMed 10094192.

NM_000147.5(FUCA1):c.557T>A (p.Leu186Ter)

Gene: FUCA1 (alpha-L-fucosidase 1; minus strand). Cytogenetic location: 1p36.11.
Variant type: single nucleotide variant.
Coding change: c.557T>A on transcript NM_000147.5 (MANE Select); coding-DNA position 557, T replaced by A.
Protein change: p.Leu186Ter; replaces leucine 186 with a stop codon.
Molecular consequence: nonsense. On other transcripts: non-coding transcript variant (4).
Genome position (GRCh38, 1-based): chr1:23,863,239, A>T on the plus strand (T>A on the coding strand, the complement: FUCA1 is on the minus strand). VCF-style: chr1-23863239-A-T. GRCh37 (hg19) VCF-style: chr1-24189729-A-T.
Other names: short protein forms L186*.
Identifiers: ClinVar variation 2885817 (VCV002885817.3), dbSNP rs776324076, ClinGen allele CA686502.